The following is an entry in ClinVar:

ClinVar aggregate classification (germline): Pathogenic (1 of 4 stars; one submission).

Conditions:
Wiedemann-Steiner syndrome (WDSTS). Also called: Growth deficiency and mental retardation with facial dysmorphism. Identifiers: Orphanet 319182, MedGen C1854630, MONDO:0011518, OMIM 605130.

Submission:

Victorian Clinical Genetics Services, Murdoch Childrens Research Institute
Classification: Pathogenic for Wiedemann-Steiner syndrome. Last evaluated: 2026-01-15. Review status: criteria provided, single submitter. Criteria: ACMG Guidelines, 2015. Collection method: clinical testing. Allele origin: germline. Affected: yes.
Comment: This variant is classified as Pathogenic. Evidence in support of pathogenic classification: Variant is predicted to cause nonsense-mediated decay (NMD) and loss of protein (premature termination codon is located at least 54 nucleotides upstream of the final exon-exon junction); Variant is absent from gnomAD (v2, v3 and v4); Other NMD-predicted variants comparable to the one identified in this case have very strong previous evidence for pathogenicity (Clinvar). Additional information: This variant is heterozygous; This gene is associated with autosomal dominant disease; This variant has no previous evidence of pathogenicity; No published evidence of segregation with disease has been identified for this variant; No published functional evidence has been identified for this variant; Loss of function is a known mechanism of disease in this gene and is associated with Wiedemann-Steiner syndrome (MIM#605130); Inheritance information for this variant is not currently available in this individual.

NM_001197104.2(KMT2A):c.4759C>T (p.Gln1587Ter)

Gene: KMT2A (lysine methyltransferase 2A; plus strand). Cytogenetic location: 11q23.3.
Variant type: single nucleotide variant.
Coding change: c.4759C>T on transcript NM_001197104.2 (MANE Select); coding-DNA position 4759, C replaced by T.
Protein change: p.Gln1587Ter; replaces glutamine 1587 with a stop codon.
Molecular consequence: nonsense.
Genome position (GRCh38, 1-based): chr11:118,491,258, C>T. VCF-style: chr11-118491258-C-T. GRCh37 (hg19) VCF-style: chr11-118361973-C-T.
Other names: c.4858C>T, p.Gln1620Ter (NM_001412597.1); c.4759C>T, p.Gln1587Ter (NM_005933.4); short protein forms Q1587*, Q1620*.
Identifiers: ClinVar variation 4818973 (VCV004818973.1).